The following is an entry in ClinVar:

ClinVar aggregate classification (germline): Likely benign. Review status: criteria provided, multiple submitters, no conflicts (2 of 4 stars). 3 submissions from 3 submitters: Likely benign (3). Last evaluated 2023-10-02.

Conditions:
Ehlers-Danlos syndrome, type 4 (EDSVASC). Also called: Ehlers-Danlos syndrome vascular type; Ehlers Danlos syndrome, ecchymotic type; Ehlers Danlos syndrome, arterial type; Ehlers Danlos syndrome, Sack-Barabas type; Ehlers-Danlos Syndrome Type IV. Identifiers: Orphanet 286, MedGen C0268338, MONDO:0017314, OMIM 130050.
Familial thoracic aortic aneurysm and aortic dissection (TAAD). Also called: Thoracic aortic aneurysms and dissections. Identifiers: Orphanet 91387, MedGen C4707243, MONDO:0019625.

Allele frequency attached by ClinVar (database versions not stated): gnomAD exomes 0.00002 and 0.00001; ExAC 0.00003; TOPMed below 0.00001; gnomAD 0.00001.
gnomAD v4.1: 5 of 1,611,538 alleles (0.00031%); highest among the groups gnomAD compares: Non-Finnish European, 0.00042%; no homozygotes.

Submissions (3):

All of Us Research Program, National Institutes of Health
Classification: Likely benign for Ehlers-Danlos syndrome, type 4. Last evaluated: 2023-10-02. Review status: criteria provided, single submitter. Criteria: ACMG Guidelines, 2015. Collection method: clinical testing. Allele origin: germline. Inheritance: Autosomal dominant inheritance. Observed: 1 variant allele, 1 heterozygote.
Comment: This study involves interpretation of variants in research participants for the purpose of population health screening. Participant phenotype was not available at the time of variant classification. Additional details can be found in publication PMID: 35346344, PMCID: PMC8962531

Labcorp Genetics (formerly Invitae), Labcorp
Classification: Likely benign for Ehlers-Danlos syndrome, type 4. Last evaluated: 2022-08-30. Review status: criteria provided, single submitter. Criteria: Invitae Variant Classification Sherloc (09022015). Collection method: clinical testing. Allele origin: germline.

Color Diagnostics, LLC DBA Color Health
Classification: Likely benign for Familial thoracic aortic aneurysm and aortic dissection. Last evaluated: 2021-03-15. Review status: criteria provided, single submitter. Criteria: ACMG Guidelines, 2015. Collection method: clinical testing. Allele origin: germline.

NM_000090.4(COL3A1):c.537A>G (p.Pro179=)

Gene: COL3A1 (collagen type III alpha 1 chain; plus strand). Cytogenetic location: 2q32.2.
Variant type: single nucleotide variant.
Coding change: c.537A>G on transcript NM_000090.4 (MANE Select); coding-DNA position 537, A replaced by G.
Protein change: p.Pro179=; no amino-acid change (proline 179 retained).
Molecular consequence: synonymous variant.
Genome position (GRCh38, 1-based): chr2:188,988,089, A>G. VCF-style: chr2-188988089-A-G. GRCh37 (hg19) VCF-style: chr2-189852815-A-G.
Identifiers: ClinVar variation 1332391 (VCV001332391.8), dbSNP rs750191923, ClinGen allele CA076691.